The following is an entry in ClinVar:

ClinVar aggregate classification (germline): Uncertain significance (1 of 4 stars; one submission).

Allele frequency attached by ClinVar (database versions not stated): gnomAD exomes below 0.00001; TOPMed below 0.00001; gnomAD 0.00001.
gnomAD v4.1: 7 of 1,613,926 alleles (0.00043%); highest among the groups gnomAD compares: East Asian, 0.0022%; no homozygotes.

Submission:

Labcorp Genetics (formerly Invitae), Labcorp
Classification: Uncertain significance. Last evaluated: 2025-01-06. Review status: criteria provided, single submitter. Criteria: Invitae Variant Classification Sherloc (09022015). Collection method: clinical testing. Allele origin: germline.
Comment: This sequence change replaces tryptophan, which is neutral and slightly polar, with cysteine, which is neutral and slightly polar, at codon 254 of the BCAT2 protein (p.Trp254Cys). This variant is present in population databases (no rsID available, gnomAD 0.0009%). This missense change has been observed in individual(s) with clinical features of BCAT2-related conditions (PMID: 30626930). ClinVar contains an entry for this variant (Variation ID: 2160215). Invitae Evidence Modeling of protein sequence and biophysical properties (such as structural, functional, and spatial information, amino acid conservation, physicochemical variation, residue mobility, and thermodynamic stability) indicates that this missense variant is expected to disrupt BCAT2 protein function with a positive predictive value of 80%. In summary, the available evidence is currently insufficient to determine the role of this variant in disease. Therefore, it has been classified as a Variant of Uncertain Significance.

Literature cited by the submitters: PubMed 30626930.

NM_001190.4(BCAT2):c.762G>C (p.Trp254Cys)

Gene: BCAT2 (branched chain amino acid transaminase 2; minus strand). Cytogenetic location: 19q13.33.
Variant type: single nucleotide variant.
Coding change: c.762G>C on transcript NM_001190.4 (MANE Select); coding-DNA position 762, G replaced by C.
Protein change: p.Trp254Cys; replaces tryptophan 254 with cysteine.
Molecular consequence: missense variant.
Genome position (GRCh38, 1-based): chr19:48,797,267, C>G on the plus strand (G>C on the coding strand, the complement: BCAT2 is on the minus strand). VCF-style: chr19-48797267-C-G. GRCh37 (hg19) VCF-style: chr19-49300524-C-G.
Other names: c.486G>C, p.Trp162Cys (NM_001164773.2); c.642G>C, p.Trp214Cys (NM_001284325.2); short protein forms W162C, W254C, W214C.
Identifiers: ClinVar variation 2160215 (VCV002160215.4), dbSNP rs964084155, ClinGen allele CA309407736.